The following is an entry in ClinVar:

NM_001375524.1(TRRAP):c.4233+15_4233+40del

Gene: TRRAP (transformation/transcription domain associated protein; plus strand). Cytogenetic location: 7q22.1.
Variant type: Deletion.
Coding change: c.4233+15_4233+40del on transcript NM_001375524.1 (MANE Select); bases 15 to 40 of the intron after coding-DNA position 4233, 26 bases deleted (GTGCGTGTATGCGCACGCGTGTGTGC).
Molecular consequence: intron variant.
Genome position (GRCh38, 1-based): chr7:98,937,292-98,937,317, GTGCGTGTATGCGCACGCGTGTGTGC deleted; deleting any 26 consecutive bases within chr7:98,937,284-98,937,317 gives the same sequence; the c. name uses the placement nearest the transcript's 3' end. VCF-style (leftmost placement, unchanged base first): chr7-98937283-TGTGTGTGCGTGCGTGTATGCGCACGC-T. GRCh37 (hg19) VCF-style: chr7-98534906-TGTGTGTGCGTGCGTGTATGCGCACGC-T.
Other names: c.4233+15_4233+40del (NM_001244580.2, NM_003496.4).
Identifiers: ClinVar variation 3612952 (VCV003612952.2).

ClinVar aggregate classification (germline): Uncertain significance (1 of 4 stars; one submission).

Submission:

Labcorp Genetics (formerly Invitae), Labcorp
Classification: Uncertain significance. Last evaluated: 2024-11-13. Review status: criteria provided, single submitter. Criteria: Invitae Variant Classification Sherloc (09022015). Collection method: clinical testing. Allele origin: germline.
Comment: This sequence change falls in intron 29 of the TRRAP gene. It does not directly change the encoded amino acid sequence of the TRRAP protein. This variant is present in population databases (rs782751968, gnomAD 0.0009%). This variant has not been reported in the literature in individuals affected with TRRAP-related conditions. Experimental studies and prediction algorithms are not available or were not evaluated, and the effect of this variant on mRNA splicing is currently unknown. In summary, the available evidence is currently insufficient to determine the role of this variant in disease. Therefore, it has been classified as a Variant of Uncertain Significance.